The following is an entry in ClinVar:

ClinVar aggregate classification (germline): Uncertain significance (1 of 4 stars; one submission).

Conditions:
NFAT5-related disorder. Also called: NFAT5-related condition.

Allele frequency attached by ClinVar (database versions not stated): TOPMed below 0.00001; gnomAD 0.00001.
gnomAD v4.1: 1 of 1,614,012 alleles (0.000062%); highest among the groups gnomAD compares: Non-Finnish European, 0.000085%; no homozygotes.

Submission:

PreventionGenetics, part of Exact Sciences
Classification: Uncertain significance for NFAT5-related condition. Last evaluated: 2022-10-19. Review status: criteria provided, single submitter. Criteria: ACMG Guidelines, 2015. Collection method: clinical testing. Allele origin: germline.
Comment: The NFAT5 c.144A>C variant is predicted to result in the amino acid substitution p.Leu48Phe. To our knowledge, this variant has not been reported in the literature or in a large population database, indicating this variant is rare. At this time, the clinical significance of this variant is uncertain due to the absence of conclusive functional and genetic evidence.

NM_138713.4(NFAT5):c.426A>C (p.Leu142Phe)

Gene: NFAT5 (nuclear factor of activated T cells 5; plus strand). Cytogenetic location: 16q22.1.
Variant type: single nucleotide variant.
Coding change: c.426A>C on transcript NM_138713.4 (MANE Select); coding-DNA position 426, A replaced by C.
Protein change: p.Leu142Phe; replaces leucine 142 with phenylalanine.
Molecular consequence: missense variant. On other transcripts: intron variant (1).
Genome position (GRCh38, 1-based): chr16:69,647,200, A>C. VCF-style: chr16-69647200-A-C. GRCh37 (hg19) VCF-style: chr16-69681103-A-C.
Other names: c.426A>C, p.Leu142Phe (NM_001113178.3); c.372A>C, p.Leu124Phe (NM_006599.4); c.144A>C, p.Leu48Phe (NM_138714.4, NM_173214.3, NM_173215.3); c.140+33A>C (NM_001367709.1); short protein forms L124F, L142F, L48F.
Identifiers: ClinVar variation 2628432 (VCV002628432.1), dbSNP rs1196963400, ClinGen allele CA396484044.
Genomic context (GRCh38, chr16:69,647,200, plus strand): 5'-AGTGGAGAGCTGCTCCTCAGCCGTGGGGGTAAGTAACAGAGGGGTAAGTGAAAAGCAGTT[A>C]ACCAGTAACACAGTTCAGCAGCATCCATCAACACCGAAGAGGCACACAGTCTTGTACATC-3'
Protein context (NP_619727.2, residues 132-152): VSNRGVSEKQ[Leu142Phe]TSNTVQQHPS